The following is an entry in ClinVar:

ClinVar aggregate classification (germline): Uncertain significance. Review status: criteria provided, multiple submitters, no conflicts (2 of 4 stars). 2 submissions from 2 submitters: Uncertain significance (2). Last evaluated 2024-01-10.

Conditions:
Singleton-Merten syndrome 1 (SGMRT1). Also called: Widened medullary cavities of bone, aortic calcification, abnormal dentition, and muscular weakness; Syndrome of widened medullary cavities of the metacarpals and phalanges, aortic calcification and abnormal dentition. Identifiers: Orphanet 85191, MedGen C4225427, MONDO:0024535, OMIM 182250.
Aicardi-Goutieres syndrome 7 (AGS7). Identifiers: Orphanet 51, MedGen C3888244, MONDO:0014367, OMIM 615846.

Allele frequency attached by ClinVar (database versions not stated): ExAC 0.00001.
gnomAD v4.1: 1 of 1,610,508 alleles (0.000062%); highest among the groups gnomAD compares: Non-Finnish European, 0.000085%; no homozygotes.

Submissions (2):

Mayo Clinic Laboratories, Mayo Clinic
Classification: Uncertain significance. Last evaluated: 2024-01-10. Review status: criteria provided, single submitter. Criteria: ACMG Guidelines, 2015. Collection method: clinical testing. Allele origin: germline. Observed: 1 variant allele.

Labcorp Genetics (formerly Invitae), Labcorp
Classification: Uncertain significance for Aicardi-Goutieres syndrome 7; Singleton-Merten syndrome 1. Last evaluated: 2020-08-30. Review status: criteria provided, single submitter. Criteria: Invitae Variant Classification Sherloc (09022015). Collection method: clinical testing. Allele origin: germline.
Comment: This sequence change replaces proline with threonine at codon 535 of the IFIH1 protein (p.Pro535Thr). The proline residue is highly conserved and there is a small physicochemical difference between proline and threonine. This variant is present in population databases (rs764183171, ExAC 0.01%). This variant has not been reported in the literature in individuals with IFIH1-related conditions. Algorithms developed to predict the effect of missense changes on protein structure and function are either unavailable or do not agree on the potential impact of this missense change (SIFT: "Deleterious"; PolyPhen-2: "Probably Damaging"; Align-GVGD: "Class C0"). In summary, the available evidence is currently insufficient to determine the role of this variant in disease. Therefore, it has been classified as a Variant of Uncertain Significance.

NM_022168.4(IFIH1):c.1603C>A (p.Pro535Thr)

Gene: IFIH1 (interferon induced with helicase C domain 1; minus strand). Cytogenetic location: 2q24.2.
Variant type: single nucleotide variant.
Coding change: c.1603C>A on transcript NM_022168.4 (MANE Select); coding-DNA position 1603, C replaced by A.
Protein change: p.Pro535Thr; replaces proline 535 with threonine.
Molecular consequence: missense variant.
Genome position (GRCh38, 1-based): chr2:162,280,034, G>T on the plus strand (C>A on the coding strand, the complement: IFIH1 is on the minus strand). VCF-style: chr2-162280034-G-T. GRCh37 (hg19) VCF-style: chr2-163136544-G-T.
Other names: p.Pro535Thr; short protein forms P535T.
Identifiers: ClinVar variation 1004257 (VCV001004257.10), dbSNP rs764183171, ClinGen allele CA1934474.